The following is an entry in ClinVar:

ClinVar aggregate classification (germline): Uncertain significance (1 of 4 stars; one submission).

Allele frequency attached by ClinVar (database versions not stated): TOPMed 0.00002; gnomAD 0.00004.
gnomAD v4.1: 8 of 1,614,058 alleles (0.0005%); highest among the groups gnomAD compares: African/African-American, 0.0093%; no homozygotes.

Submission:

Labcorp Genetics (formerly Invitae), Labcorp
Classification: Uncertain significance. Last evaluated: 2024-02-24. Review status: criteria provided, single submitter. Criteria: Invitae Variant Classification Sherloc (09022015). Collection method: clinical testing. Allele origin: germline.
Comment: This sequence change replaces phenylalanine, which is neutral and non-polar, with leucine, which is neutral and non-polar, at codon 44 of the TOE1 protein (p.Phe44Leu). This variant is present in population databases (no rsID available, gnomAD 0.008%). This variant has not been reported in the literature in individuals affected with TOE1-related conditions. ClinVar contains an entry for this variant (Variation ID: 2166906). Advanced modeling of protein sequence and biophysical properties (such as structural, functional, and spatial information, amino acid conservation, physicochemical variation, residue mobility, and thermodynamic stability) performed at Invitae indicates that this missense variant is not expected to disrupt TOE1 protein function with a negative predictive value of 80%. In summary, the available evidence is currently insufficient to determine the role of this variant in disease. Therefore, it has been classified as a Variant of Uncertain Significance.

NM_025077.4(TOE1):c.132C>A (p.Phe44Leu)

Gene: TOE1 (target of EGR1, exonuclease; plus strand). Cytogenetic location: 1p34.1.
Variant type: single nucleotide variant.
Coding change: c.132C>A on transcript NM_025077.4 (MANE Select); coding-DNA position 132, C replaced by A.
Protein change: p.Phe44Leu; replaces phenylalanine 44 with leucine.
Molecular consequence: missense variant.
Genome position (GRCh38, 1-based): chr1:45,341,152, C>A. VCF-style: chr1-45341152-C-A. GRCh37 (hg19) VCF-style: chr1-45806824-C-A.
Other names: short protein forms F44L.
Identifiers: ClinVar variation 2166906 (VCV002166906.4), dbSNP rs1463214248, ClinGen allele CA340138487.